The following is an entry in ClinVar:

ClinVar aggregate classification (germline): Benign. Review status: criteria provided, multiple submitters, no conflicts (2 of 4 stars). 3 submissions from 3 submitters: Benign (3). Last evaluated 2026-02-04.

Conditions:
Progressive pseudorheumatoid dysplasia (PPRD). Also called: Progressive Pseudorheumatoid Arthropathy of Childhood; SPONDYLOEPIPHYSEAL DYSPLASIA TARDA WITH PROGRESSIVE ARTHROPATHY. Identifiers: Orphanet 1159, MedGen C0432215, MONDO:0008827, OMIM 208230. Disease mechanism: loss of function.

Allele frequency attached by ClinVar (database versions not stated): gnomAD exomes 0.00422 and 0.01109; ExAC 0.01310; 1000 Genomes Project 0.04034; gnomAD 0.04183 and 0.04506; 1000 Genomes Project 30x 0.04466; ESP Exome Variant Server 0.04644; TOPMed 0.04808.
gnomAD v4.1: 12,839 of 1,614,114 alleles (0.8%); highest among the groups gnomAD compares: African/African-American, 15%; 834 homozygotes.

Submissions (3):

Labcorp Genetics (formerly Invitae), Labcorp
Classification: Benign. Last evaluated: 2026-02-04. Review status: criteria provided, single submitter. Criteria: Invitae Variant Classification Sherloc (09022015). Collection method: clinical testing. Allele origin: germline.

GeneDx
Classification: Benign. Last evaluated: 2021-05-05. Review status: criteria provided, single submitter. Criteria: GeneDx Variant Classification Process June 2021. Collection method: clinical testing. Allele origin: germline. Affected: yes.

Illumina Laboratory Services, Illumina
Classification: Benign for Progressive pseudorheumatoid dysplasia. Last evaluated: 2018-01-13. Review status: criteria provided, single submitter. Criteria: ICSL Variant Classification Criteria 13 December 2019. Collection method: clinical testing. Allele origin: germline.
Comment: This variant was observed in the ICSL laboratory as part of a predisposition screen in an ostensibly healthy population. It had not been previously curated by ICSL or reported in the Human Gene Mutation Database (HGMD: prior to June 1st, 2018), and was therefore a candidate for classification through an automated scoring system. Utilizing variant allele frequency, disease prevalence and penetrance estimates, and inheritance mode, an automated score was calculated to assess if this variant is too frequent to cause the disease. Based on the score and internal cut-off values, a variant classified as benign is not then subjected to further curation. The score for this variant resulted in a classification of benign for this disease.

NM_198239.2(CCN6):c.72T>C (p.Thr24=)

Gene: CCN6 (cellular communication network factor 6; plus strand). Cytogenetic location: 6q21.
Variant type: single nucleotide variant.
Coding change: c.72T>C on transcript NM_198239.2 (MANE Select); coding-DNA position 72, T replaced by C.
Protein change: p.Thr24=; no amino-acid change (threonine 24 retained).
Molecular consequence: synonymous variant. On other transcripts: non-coding transcript variant (2).
Genome position (GRCh38, 1-based): chr6:112,061,014, T>C. VCF-style: chr6-112061014-T-C. GRCh37 (hg19) VCF-style: chr6-112382217-T-C.
Other names: c.72T>C, p.Thr24= (NM_003880.4).
Identifiers: ClinVar variation 355056 (VCV000355056.14), dbSNP rs1230346, ClinGen allele CA3963903.
Genomic context (GRCh38, chr6:112,061,014, plus strand): 5'-AAGCTATTTCTAACATCACCTTTATTATCAAATGAAGTTCTGCTGCAGGGTACAGGGCAC[T>C]GGACCATTAGATACAACACCTGAAGGAAGGCCTGGAGAAGTGTCAGATGCACCTCAGCGT-3'
Protein context (NP_937882.2, residues 14-34): LAQFCCRVQG[Thr24=]GPLDTTPEGR